The following is an entry in ClinVar:

ClinVar aggregate classification (germline): Uncertain significance (1 of 4 stars; one submission).

gnomAD v4.1: 1 of 1,613,782 alleles (0.000062%); highest among the groups gnomAD compares: Non-Finnish European, 0.000085%; no homozygotes.

Submission:

Labcorp Genetics (formerly Invitae), Labcorp
Classification: Uncertain significance. Last evaluated: 2022-06-02. Review status: criteria provided, single submitter. Criteria: Invitae Variant Classification Sherloc (09022015). Collection method: clinical testing. Allele origin: germline.
Comment: This sequence change replaces arginine, which is basic and polar, with leucine, which is neutral and non-polar, at codon 40 of the TPP1 protein (p.Arg40Leu). This variant is not present in population databases (gnomAD no frequency). This variant has not been reported in the literature in individuals affected with TPP1-related conditions. Algorithms developed to predict the effect of missense changes on protein structure and function are either unavailable or do not agree on the potential impact of this missense change (SIFT: "Deleterious"; PolyPhen-2: "Benign"; Align-GVGD: "Class C0"). In summary, the available evidence is currently insufficient to determine the role of this variant in disease. Therefore, it has been classified as a Variant of Uncertain Significance.

NM_000391.4(TPP1):c.119G>T (p.Arg40Leu)

Gene: TPP1 (tripeptidyl peptidase 1; minus strand). Cytogenetic location: 11p15.4.
Variant type: single nucleotide variant.
Coding change: c.119G>T on transcript NM_000391.4 (MANE Select); coding-DNA position 119, G replaced by T.
Protein change: p.Arg40Leu; replaces arginine 40 with leucine.
Molecular consequence: missense variant.
Genome position (GRCh38, 1-based): chr11:6,618,886, C>A on the plus strand (G>T on the coding strand, the complement: TPP1 is on the minus strand). VCF-style: chr11-6618886-C-A. GRCh37 (hg19) VCF-style: chr11-6640117-C-A.
Other names: short protein forms R40L.
Identifiers: ClinVar variation 2193676 (VCV002193676.2), dbSNP rs549309216, ClinGen allele CA379476859.